The following is an entry in ClinVar:

NM_015267.4(CUX2):c.1677C>T (p.Ala559=)

Gene: CUX2 (cut like homeobox 2; plus strand). Cytogenetic location: 12q24.12.
Variant type: single nucleotide variant.
Coding change: c.1677C>T on transcript NM_015267.4 (MANE Select); coding-DNA position 1677, C replaced by T.
Protein change: p.Ala559=; no amino-acid change (alanine 559 retained).
Molecular consequence: synonymous variant.
Genome position (GRCh38, 1-based): chr12:111,310,459, C>T. VCF-style: chr12-111310459-C-T. GRCh37 (hg19) VCF-style: chr12-111748263-C-T.
Other names: c.1491C>T, p.Ala497= (NM_001370598.1).
Identifiers: ClinVar variation 737029 (VCV000737029.22), dbSNP rs199689266, ClinGen allele CA6788711.

ClinVar aggregate classification (germline): Likely benign. Review status: criteria provided, multiple submitters, no conflicts (2 of 4 stars). 2 submissions from 2 submitters: Likely benign (2). Last evaluated 2024-06-01.

Allele frequency attached by ClinVar (database versions not stated): ExAC 0.00009; gnomAD exomes 0.00009 and 0.00010; gnomAD 0.00012 and 0.00013; TOPMed 0.00019; ESP Exome Variant Server 0.00031.
gnomAD v4.1: 165 of 1,613,480 alleles (0.01%); highest among the groups gnomAD compares: Middle Eastern, 0.033%; no homozygotes.

Submissions (2):

CeGaT Center for Human Genetics Tuebingen
Classification: Likely benign. Last evaluated: 2024-06-01. Review status: criteria provided, single submitter. Criteria: CeGaT Center For Human Genetics Tuebingen Variant Classification Criteria Version 2. Collection method: clinical testing. Allele origin: germline. Affected: yes. Observed: 1 variant allele.
Comment: CUX2: BS2

Labcorp Genetics (formerly Invitae), Labcorp
Classification: Likely benign. Last evaluated: 2019-12-31. Review status: criteria provided, single submitter. Criteria: Invitae Variant Classification Sherloc (09022015). Collection method: clinical testing. Allele origin: germline.